The following is an entry in ClinVar:

NM_001367943.1(TCF7L2):c.1839C>T (p.Leu613=)

Gene: TCF7L2 (transcription factor 7 like 2; plus strand). Cytogenetic location: 10q25.3.
Variant type: single nucleotide variant.
Coding change: c.1839C>T on transcript NM_001367943.1 (MANE Select); coding-DNA position 1839, C replaced by T.
Protein change: p.Leu613=; no amino-acid change (leucine 613 retained).
Molecular consequence: synonymous variant. On other transcripts: 3 prime UTR variant (12).
Genome position (GRCh38, 1-based): chr10:113,165,951, C>T. VCF-style: chr10-113165951-C-T. GRCh37 (hg19) VCF-style: chr10-114925710-C-T.
Other names: c.1788C>T, p.Leu596= (NM_001146274.2); c.*317C>T (NM_001146283.2, NM_001146284.2, NM_001146286.2 and 4 more transcripts); c.1719C>T, p.Leu573= (NM_001146285.2, NM_001198526.2); c.*427C>T (NM_001198525.2); c.*415C>T (NM_001198527.2, NM_001198528.2, NM_001349870.2 and 1 more transcripts); c.1770C>T, p.Leu590= (NM_030756.5).
Identifiers: ClinVar variation 4534030 (VCV004534030.6).

ClinVar aggregate classification (germline): Likely benign (1 of 4 stars; one submission).

gnomAD v4.1: 44 of 1,536,292 alleles (0.0029%); highest among the groups gnomAD compares: African/African-American, 0.024%; no homozygotes.

Submission:

CeGaT Center for Human Genetics Tuebingen
Classification: Likely benign. Last evaluated: 2025-11-01. Review status: criteria provided, single submitter. Criteria: CeGaT Center For Human Genetics Tuebingen Variant Classification Criteria Version 2. Collection method: clinical testing. Allele origin: germline. Affected: yes. Observed: 1 variant allele.
Comment: TCF7L2: BP4, BP7